The following is an entry in ClinVar:

ClinVar aggregate classification (germline): Pathogenic (1 of 4 stars; one submission).

Conditions:
Intellectual developmental disorder, autosomal dominant 1. Also called: Intellectual disability, autosomal dominant 1; MBD5 Haploinsufficiency. Identifiers: Orphanet 228402, MedGen C1969562, MONDO:0007974, OMIM 156200.

Submission:

Cavalleri Lab, Royal College of Surgeons in Ireland
Classification: Pathogenic for Intellectual developmental disorder, autosomal dominant 1. Last evaluated: 2019-12-11. Review status: criteria provided, single submitter. Criteria: ACMG Guidelines, 2015. Collection method: research. Allele origin: maternal. Inheritance: Autosomal dominant inheritance. Affected: yes.
Comment: ACMG evidence PVS1, PM2

Literature cited by the submitters: PubMed 32238909.

NM_001378120.1(MBD5):c.728del (p.Pro243fs)

Gene: MBD5 (methyl-CpG binding domain protein 5; plus strand). Cytogenetic location: 2q23.1.
Variant type: Deletion.
Coding change: c.728del on transcript NM_001378120.1 (MANE Select); coding-DNA position 728, one base deleted (C; older notation c.728delC).
Protein change: p.Pro243fs; shifts the reading frame from proline 243.
Molecular consequence: frameshift variant.
Genome position (GRCh38, 1-based): chr2:148,468,671, C deleted; the last of 3 consecutive C bases (chr2:148,468,669-148,468,671); deleting any one gives the same sequence. VCF-style (leftmost placement, unchanged base first): chr2-148468668-AC-A. GRCh37 (hg19) VCF-style: chr2-149226237-AC-A.
Other names: c.726delC (NM_018328.5); c.728del, p.Pro243fs (NM_018328.5); short protein forms P243fs.
Identifiers: ClinVar variation 812175 (VCV000812175.1), dbSNP rs1680676671, ClinGen allele CA658766378.